The following is an entry in ClinVar:

ClinVar aggregate classification (germline): Conflicting classifications of pathogenicity. Review status: criteria provided, conflicting classifications (1 of 4 stars). 4 submissions from 4 submitters: Uncertain significance (3); Likely benign (1). Last evaluated 2026-08-20.

Conditions:
SMARCA4-related disorder. Also called: SMARCA4-related condition.
Hereditary cancer-predisposing syndrome. Also called: Tumor predisposition; Hereditary neoplastic syndrome; Neoplastic Syndromes, Hereditary; Hereditary Cancer Syndrome. Identifiers: Orphanet 140162, MedGen C0027672, MeSH D009386, MONDO:0015356.
Intellectual disability, autosomal dominant 16 (CSS4). Also called: COFFIN-SIRIS SYNDROME 4. Identifiers: Orphanet 1465, MedGen C3553249, MONDO:0013821, OMIM 614609.
Rhabdoid tumor predisposition syndrome 2 (RTPS2). Identifiers: Orphanet 231108, Orphanet 69077, MedGen C2750074, MONDO:0013224, OMIM 613325.

Allele frequency attached by ClinVar (database versions not stated): TOPMed below 0.00001.
gnomAD v4.1: 4 of 1,614,018 alleles (0.00025%); highest among the groups gnomAD compares: Non-Finnish European, 0.00034%; no homozygotes.

Submissions (4):

PreventionGenetics, part of Exact Sciences
Classification: Uncertain significance for SMARCA4-related condition. Last evaluated: 2026-08-20. Review status: criteria provided, single submitter. Criteria: ACMG Guidelines, 2015. Collection method: clinical testing. Allele origin: germline.
Comment: The SMARCA4 c.311C>T variant is predicted to result in the amino acid substitution p.Ala104Val. To our knowledge, this variant has not been reported in the literature or in a large population database (gnomAD), indicating this variant is rare. This variant has conflicting interpretations in ClinVar ranging from uncertain to likely benign (Variation ID: 470339). At this time, the clinical significance of this variant is uncertain due to the absence of conclusive functional and genetic evidence.

Labcorp Genetics (formerly Invitae), Labcorp
Classification: Uncertain significance for Rhabdoid tumor predisposition syndrome 2. Last evaluated: 2025-10-09. Review status: criteria provided, single submitter. Criteria: Invitae Variant Classification Sherloc (09022015). Collection method: clinical testing. Allele origin: germline.
Comment: This sequence change replaces alanine, which is neutral and non-polar, with valine, which is neutral and non-polar, at codon 104 of the SMARCA4 protein (p.Ala104Val). This variant is not present in population databases (gnomAD no frequency). This variant has not been reported in the literature in individuals affected with SMARCA4-related conditions. ClinVar contains an entry for this variant (Variation ID: 470339). Invitae Evidence Modeling of protein sequence and biophysical properties (such as structural, functional, and spatial information, amino acid conservation, physicochemical variation, residue mobility, and thermodynamic stability) indicates that this missense variant is not expected to disrupt SMARCA4 protein function with a negative predictive value of 95%. In summary, the available evidence is currently insufficient to determine the role of this variant in disease. Therefore, it has been classified as a Variant of Uncertain Significance.

Ambry Genetics
Classification: Likely benign for Hereditary cancer-predisposing syndrome. Last evaluated: 2022-10-07. Review status: criteria provided, single submitter. Criteria: Ambry Variant Classification Scheme 2023. Collection method: clinical testing. Allele origin: germline.

Genome-Nilou Lab
Classification: Uncertain significance for Intellectual disability, autosomal dominant 16. Last evaluated: 2021-07-15. Review status: criteria provided, single submitter. Criteria: ACMG Guidelines, 2015. Collection method: clinical testing. Allele origin: germline. Affected: no.

NM_003072.5(SMARCA4):c.311C>T (p.Ala104Val)

Gene: SMARCA4 (SWI/SNF related BAF chromatin remodeling complex subunit ATPase 4; plus strand). Cytogenetic location: 19p13.2.
Variant type: single nucleotide variant.
Coding change: c.311C>T on transcript NM_003072.5 (MANE Select); coding-DNA position 311, C replaced by T.
Protein change: p.Ala104Val; replaces alanine 104 with valine.
Molecular consequence: missense variant. On other transcripts: non-coding transcript variant (1).
Genome position (GRCh38, 1-based): chr19:10,985,361, C>T. VCF-style: chr19-10985361-C-T. GRCh37 (hg19) VCF-style: chr19-11096037-C-T.
Other names: c.311C>T, p.Ala104Val (NM_001128844.3, NM_001128845.2, NM_001128846.2 and 5 more transcripts); short protein forms A104V.
Identifiers: ClinVar variation 470339 (VCV000470339.19), dbSNP rs1555752113, ClinGen allele CA404055270.
Genomic context (GRCh38, chr19:10,985,361, plus strand): 5'-TGTCGGACGACCCGCGCTACAACCAGATGAAAGGAATGGGGATGCGGTCAGGGGGCCATG[C>T]TGGGATGGGGCCCCCGCCCAGCCCCATGGACCAGCACTCCCAAGGTACAGAACTGCGTTC-3'
Protein context (NP_003063.2, residues 94-114): KGMGMRSGGH[Ala104Val]GMGPPPSPMD